The following is an entry in ClinVar:

ClinVar aggregate classification (germline): Pathogenic (1 of 4 stars; one submission).

Conditions:
Familial adenomatous polyposis 1 (FAP1). Also called: FAMILIAL ADENOMATOUS POLYPOSIS 1, ATTENUATED; POLYPOSIS, ADENOMATOUS INTESTINAL. Identifiers: MedGen C2713442, MONDO:0021056, OMIM 175100. Disease mechanism: loss of function.

Submission:

Myriad Genetics, Inc.
Classification: Pathogenic for Familial adenomatous polyposis 1. Last evaluated: 2023-05-04. Review status: criteria provided, single submitter. Criteria: Myriad Autosomal Dominant, Autosomal Recessive and X-Linked Classification Criteria (2023). Collection method: clinical testing. Allele origin: unknown.
Comment: This variant is considered pathogenic. This variant creates a frameshift predicted to result in premature protein truncation.

NM_000038.6(APC):c.2145_2146del (p.His715fs)

Gene: APC (APC regulator of Wnt signaling pathway; plus strand). Cytogenetic location: 5q22.2.
Variant type: Microsatellite.
Coding change: c.2145_2146del on transcript NM_000038.6 (MANE Select); coding-DNA positions 2145 to 2146, 2 bases deleted (CA; older notation c.2145_2146delCA).
Protein change: p.His715fs; shifts the reading frame from histidine 715.
Molecular consequence: frameshift variant. On other transcripts: non-coding transcript variant (2).
Genome position (GRCh38, 1-based): chr5:112,837,739-112,837,740, CA deleted; deleting any 2 consecutive bases within chr5:112,837,737-112,837,740 gives the same sequence; the c. name uses the placement nearest the transcript's 3' end. VCF-style (leftmost placement, unchanged base first): chr5-112837736-GCA-G. GRCh37 (hg19) VCF-style: chr5-112173433-GCA-G.
Other names: c.2145_2146del, p.His715fs (NM_001127510.3, NM_001354895.2, NM_001407450.1); c.2091_2092del, p.His697fs (NM_001127511.3); c.2199_2200del, p.His733fs (NM_001354896.2, NM_001407447.1, NM_001407448.1 and 1 more transcripts); c.2175_2176del, p.His725fs (NM_001354897.2); c.2070_2071del, p.His690fs (NM_001354898.2); c.2061_2062del, p.His687fs (NM_001354899.2); c.2022_2023del, p.His674fs (NM_001354900.2); c.1968_1969del, p.His656fs (NM_001354901.2, NM_001407453.1); and 11 more; short protein forms H725fs, H733fs, H743fs, H331fs, H432fs, H555fs, H586fs, H589fs.
Identifiers: ClinVar variation 2584062 (VCV002584062.2), dbSNP rs2533400006, ClinGen allele CA2582341424.